The following is an entry in ClinVar:

NM_000368.5(TSC1):c.2148C>T (p.Asn716=)

Gene: TSC1 (TSC complex subunit 1; minus strand). Cytogenetic location: 9q34.13.
Variant type: single nucleotide variant.
Coding change: c.2148C>T on transcript NM_000368.5 (MANE Select); coding-DNA position 2148, C replaced by T.
Protein change: p.Asn716=; no amino-acid change (asparagine 716 retained).
Molecular consequence: synonymous variant.
Genome position (GRCh38, 1-based): chr9:132,903,711, G>A on the plus strand (C>T on the coding strand, the complement: TSC1 is on the minus strand). VCF-style: chr9-132903711-G-A. GRCh37 (hg19) VCF-style: chr9-135779098-G-A.
Other names: c.2145C>T, p.Asn715= (NM_001162426.2); c.1995C>T, p.Asn665= (NM_001162427.2); c.1785C>T, p.Asn595= (NM_001362177.2).
Identifiers: ClinVar variation 466067 (VCV000466067.12), dbSNP rs1554815274, ClinGen allele CA467590694.
Genomic context (GRCh38, chr9:132,903,711, plus strand): 5'-CATGGCAGCATTATGTTCCTCCAGAGCTGCTGCTTTGATCACCTTGCGGAGGAGCCGCCT[G>A]TTCCGGAGGGCATGCTGCTGCCTCTTAAAACGCTCATAGAGTAACTGGTTGTGCAGTAAA-3'
Protein context (NP_000359.1, residues 706-726): RFKRQQHALR[Asn716=]RRLLRKVIKA

ClinVar aggregate classification (germline): Benign/Likely benign. Review status: criteria provided, multiple submitters, no conflicts (2 of 4 stars). 3 submissions from 3 submitters: Benign (1); Likely benign (2). Last evaluated 2025-04-24.

Conditions:
Hereditary cancer-predisposing syndrome. Also called: Hereditary neoplastic syndrome; Neoplastic Syndromes, Hereditary; Tumor predisposition; Hereditary Cancer Syndrome. Identifiers: Orphanet 140162, MedGen C0027672, MeSH D009386, MONDO:0015356.
Tuberous sclerosis 1 (TSC1). Identifiers: Orphanet 805, MedGen C1854465, MONDO:0008612, OMIM 191100.

Allele frequency attached by ClinVar (database versions not stated): gnomAD exomes 0.00001.
gnomAD v4.1: 5 of 1,613,174 alleles (0.00031%); highest among the groups gnomAD compares: Non-Finnish European, 0.00042%; no homozygotes.

Submissions (3):

Myriad Genetics, Inc.
Classification: Benign for Tuberous sclerosis 1. Last evaluated: 2025-04-24. Review status: criteria provided, single submitter. Criteria: Myriad Autosomal Dominant, Autosomal Recessive and X-Linked Classification Criteria (2023). Collection method: clinical testing. Allele origin: unknown.
Comment: This variant is considered benign. This variant is a silent/synonymous amino acid change and it is not expected to impact splicing.

Ambry Genetics
Classification: Likely benign for Hereditary cancer-predisposing syndrome. Last evaluated: 2024-10-24. Review status: criteria provided, single submitter. Criteria: Ambry Variant Classification Scheme 2023. Collection method: clinical testing. Allele origin: germline.

Labcorp Genetics (formerly Invitae), Labcorp
Classification: Likely benign for Tuberous sclerosis 1. Last evaluated: 2024-02-06. Review status: criteria provided, single submitter. Criteria: Invitae Variant Classification Sherloc (09022015). Collection method: clinical testing. Allele origin: germline.